The following is an entry in ClinVar:

NM_032043.3(BRIP1):c.622C>T (p.Gln208Ter)

Gene: BRIP1 (BRCA1 interacting DNA helicase 1; minus strand). Cytogenetic location: 17q23.2.
Variant type: single nucleotide variant.
Coding change: c.622C>T on transcript NM_032043.3 (MANE Select); coding-DNA position 622, C replaced by T.
Protein change: p.Gln208Ter; replaces glutamine 208 with a stop codon.
Molecular consequence: nonsense.
Genome position (GRCh38, 1-based): chr17:61,847,106, G>A on the plus strand (C>T on the coding strand, the complement: BRIP1 is on the minus strand). VCF-style: chr17-61847106-G-A. GRCh37 (hg19) VCF-style: chr17-59924467-G-A.
Other names: short protein forms Q208*.
Identifiers: ClinVar variation 2584321 (VCV002584321.5), dbSNP rs1443511163, ClinGen allele CA400482793.

ClinVar aggregate classification (germline): Pathogenic. Review status: criteria provided, multiple submitters, no conflicts (2 of 4 stars). 3 submissions from 3 submitters: Pathogenic (3). Last evaluated 2025-06-18.

Conditions:
Hereditary cancer-predisposing syndrome. Also called: Tumor predisposition; Neoplastic Syndromes, Hereditary; Hereditary Cancer Syndrome; Hereditary neoplastic syndrome. Identifiers: Orphanet 140162, MedGen C0027672, MeSH D009386, MONDO:0015356.
Fanconi anemia complementation group J. Also called: BRIP1-Related Fanconi Anemia. Identifiers: Orphanet 84, MedGen C1836860, MONDO:0012187, OMIM 609054.
Familial cancer of breast. Also called: Hereditary breast cancer; hereditary breast carcinoma; BREAST CANCER, FAMILIAL. Identifiers: Orphanet 227535, MedGen C0346153, MONDO:0016419, OMIM 114480. Disease mechanism: loss of function.

Allele frequency attached by ClinVar (database versions not stated): gnomAD exomes below 0.00001.
gnomAD v4.1: 1 of 1,613,782 alleles (0.000062%); highest among the groups gnomAD compares: African/African-American, 0.0013%; no homozygotes.

Submissions (3):

Ambry Genetics
Classification: Pathogenic for Hereditary cancer-predisposing syndrome. Last evaluated: 2025-06-18. Review status: criteria provided, single submitter. Criteria: Ambry Variant Classification Scheme 2023. Collection method: clinical testing. Allele origin: germline.
Comment: The p.Q208* pathogenic mutation (also known as c.622C>T), located in coding exon 5 of the BRIP1 gene, results from a C to T substitution at nucleotide position 622. This changes the amino acid from a glutamine to a stop codon within coding exon 5. This variant is considered to be rare based on population cohorts in the Genome Aggregation Database (gnomAD). This alteration is expected to result in loss of function by premature protein truncation or nonsense-mediated mRNA decay. As such, this alteration is interpreted as a disease-causing mutation.

Labcorp Genetics (formerly Invitae), Labcorp
Classification: Pathogenic for Familial cancer of breast; Fanconi anemia complementation group J. Last evaluated: 2024-11-30. Review status: criteria provided, single submitter. Criteria: Invitae Variant Classification Sherloc (09022015). Collection method: clinical testing. Allele origin: germline.
Comment: This sequence change creates a premature translational stop signal (p.Gln208*) in the BRIP1 gene. It is expected to result in an absent or disrupted protein product. Loss-of-function variants in BRIP1 are known to be pathogenic (PMID: 16116423, 17033622, 21964575). This variant is not present in population databases (gnomAD no frequency). This variant has not been reported in the literature in individuals affected with BRIP1-related conditions. ClinVar contains an entry for this variant (Variation ID: 2584321). For these reasons, this variant has been classified as Pathogenic.

Myriad Genetics, Inc.
Classification: Pathogenic for Familial cancer of breast. Last evaluated: 2023-05-31. Review status: criteria provided, single submitter. Criteria: Myriad Autosomal Dominant, Autosomal Recessive and X-Linked Classification Criteria (2023). Collection method: clinical testing. Allele origin: unknown.
Comment: This variant is considered pathogenic. This variant creates a termination codon and is predicted to result in premature protein truncation.

Literature cited by the submitters: PubMed 16116423 (cited by Labcorp Genetics (formerly Invitae), Labcorp); PubMed 17033622 (cited by Labcorp Genetics (formerly Invitae), Labcorp); PubMed 21964575 (cited by Labcorp Genetics (formerly Invitae), Labcorp).